The following is an entry in ClinVar:

ClinVar aggregate classification (germline): Uncertain significance. Review status: criteria provided, multiple submitters, no conflicts (2 of 4 stars). 2 submissions from 2 submitters: Uncertain significance (2). Last evaluated 2023-09-02.

Conditions:
Hereditary cancer-predisposing syndrome. Also called: Hereditary neoplastic syndrome; Tumor predisposition; Neoplastic Syndromes, Hereditary; Hereditary Cancer Syndrome. Identifiers: Orphanet 140162, MedGen C0027672, MeSH D009386, MONDO:0015356.

Submissions (2):

Ambry Genetics
Classification: Uncertain significance for Hereditary cancer-predisposing syndrome. Last evaluated: 2023-09-02. Review status: criteria provided, single submitter. Criteria: Ambry Variant Classification Scheme 2023. Collection method: clinical testing. Allele origin: germline.
Comment: The p.V234L variant (also known as c.700G>C), located in coding exon 6 of the SMARCB1 gene, results from a G to C substitution at nucleotide position 700. The valine at codon 234 is replaced by leucine, an amino acid with highly similar properties. This amino acid position is highly conserved in available vertebrate species. In addition, this alteration is predicted to be deleterious by in silico analysis. Missense and in-frame variants in SMARCB1 are known to cause neurodevelopmental disorders; however, such associations with rhabdoid tumor predisposition syndrome are exceedingly rare (Kosho T et al. Am J Med Genet C Semin Med Genet. 2014 Sep;166C(3):262-75; Eaton KW et al. Pediatr Blood Cancer. 2011 Jan;56(1):7-15). Since supporting evidence is limited at this time, the clinical significance of this alteration remains unclear.

GeneDx
Classification: Uncertain significance. Last evaluated: 2022-01-22. Review status: criteria provided, single submitter. Criteria: GeneDx Variant Classification Process June 2021. Collection method: clinical testing. Allele origin: germline. Affected: yes.
Comment: Not observed at significant frequency in large population cohorts (gnomAD); In silico analysis supports that this missense variant does not alter protein structure/function; Has not been previously published as pathogenic or benign to our knowledge; This variant is associated with the following publications: (PMID: 26073604)

NM_003073.5(SMARCB1):c.700G>C (p.Val234Leu)

Gene: SMARCB1 (SWI/SNF related BAF chromatin remodeling complex subunit B1; plus strand). Cytogenetic location: 22q11.23.
Variant type: single nucleotide variant.
Coding change: c.700G>C on transcript NM_003073.5 (MANE Select); coding-DNA position 700, G replaced by C.
Protein change: p.Val234Leu; replaces valine 234 with leucine.
Molecular consequence: missense variant.
Genome position (GRCh38, 1-based): chr22:23,816,841, G>C. VCF-style: chr22-23816841-G-C. GRCh37 (hg19) VCF-style: chr22-24159028-G-C.
Other names: c.673G>C, p.Val225Leu (NM_001007468.3); c.727G>C, p.Val243Leu (NM_001317946.2); c.754G>C, p.Val252Leu (NM_001362877.2); short protein forms V225L, V234L, V243L, V252L.
Identifiers: ClinVar variation 1698160 (VCV001698160.4), dbSNP rs1272912695, ClinGen allele CA410901411.